The following is an entry in ClinVar:

NM_144997.7(FLCN):c.1312A>C (p.Ile438Leu)

Gene: FLCN (folliculin; minus strand). Cytogenetic location: 17p11.2.
Variant type: single nucleotide variant.
Coding change: c.1312A>C on transcript NM_144997.7 (MANE Select); coding-DNA position 1312, A replaced by C.
Protein change: p.Ile438Leu; replaces isoleucine 438 with leucine.
Molecular consequence: missense variant.
Genome position (GRCh38, 1-based): chr17:17,215,305, T>G on the plus strand (A>C on the coding strand, the complement: FLCN is on the minus strand). VCF-style: chr17-17215305-T-G. GRCh37 (hg19) VCF-style: chr17-17118619-T-G.
Other names: c.1366A>C, p.Ile456Leu (NM_001353229.2); c.1312A>C, p.Ile438Leu (NM_001353230.2, NM_001353231.2); short protein forms I438L, I456L.
Identifiers: ClinVar variation 4744767 (VCV004744767.1).
Genomic context (GRCh38, chr17:17,215,305, plus strand): 5'-GGTCATCCTCACACCCCACAGGGTGGAGGGTGGAACGTGCGGCTGCGTGGACCTCCACGA[T>G]GACAGCAAACTCTGTAACAACACAAGGCCCGTGGCTCCTCATCTCCCCCATGCTCCTCAC-3'
Protein context (NP_659434.2, residues 428-448): PHVLSSEFAV[Ile438Leu]VEVHAAARST

ClinVar aggregate classification (germline): Uncertain significance (1 of 4 stars; one submission).

Conditions:
Birt-Hogg-Dube syndrome. Also called: Birt Hogg Dubé syndrome. Identifiers: Orphanet 122, MedGen C0346010, MONDO:0800444.

Submission:

Labcorp Genetics (formerly Invitae), Labcorp
Classification: Uncertain significance for Birt-Hogg-Dube syndrome. Last evaluated: 2025-02-27. Review status: criteria provided, single submitter. Criteria: Invitae Variant Classification Sherloc (09022015). Collection method: clinical testing. Allele origin: germline.
Comment: This sequence change replaces isoleucine, which is neutral and non-polar, with leucine, which is neutral and non-polar, at codon 438 of the FLCN protein (p.Ile438Leu). This variant is not present in population databases (gnomAD no frequency). This variant has not been reported in the literature in individuals affected with FLCN-related conditions. Invitae Evidence Modeling of protein sequence and biophysical properties (such as structural, functional, and spatial information, amino acid conservation, physicochemical variation, residue mobility, and thermodynamic stability) indicates that this missense variant is not expected to disrupt FLCN protein function with a negative predictive value of 80%. In summary, the available evidence is currently insufficient to determine the role of this variant in disease. Therefore, it has been classified as a Variant of Uncertain Significance.